The following is an entry in ClinVar:

NM_018127.7(ELAC2):c.1442C>T (p.Pro481Leu)

Gene: ELAC2 (elaC ribonuclease Z 2; minus strand). Cytogenetic location: 17p12.
Variant type: single nucleotide variant.
Coding change: c.1442C>T on transcript NM_018127.7 (MANE Select); coding-DNA position 1442, C replaced by T.
Protein change: p.Pro481Leu; replaces proline 481 with leucine.
Molecular consequence: missense variant.
Genome position (GRCh38, 1-based): chr17:12,998,490, G>A on the plus strand (C>T on the coding strand, the complement: ELAC2 is on the minus strand). VCF-style: chr17-12998490-G-A. GRCh37 (hg19) VCF-style: chr17-12901807-G-A.
Other names: c.1322C>T, p.Pro441Leu (NM_001165962.2); c.1439C>T, p.Pro480Leu (NM_173717.2); short protein forms P441L, P480L, P481L.
Identifiers: ClinVar variation 3015882 (VCV003015882.2), dbSNP rs1169140302, ClinGen allele CA398224755.
Genomic context (GRCh38, chr17:12,998,490, plus strand): 5'-GCACTGACATTTCGAATCTTCATCGGGATGGCAGACCCTGTTCCAAGGAAGATGATTTCT[G>A]GGTACTGACTTCTTTTCTCTGTGAAAAAATCCATGTGAAACAATCCATTCCTTTGGGTCA-3'
Protein context (NP_060597.4, residues 471-491): PAPAEKRSQY[Pro481Leu]EIIFLGTGSA

ClinVar aggregate classification (germline): Uncertain significance (1 of 4 stars; one submission).

Conditions:
Combined oxidative phosphorylation defect type 17. Also called: Combined oxidative phosphorylation deficiency 17. Identifiers: Orphanet 369913, MedGen C3809526, MONDO:0014190, OMIM 615440.

Allele frequency attached by ClinVar (database versions not stated): gnomAD exomes below 0.00001; TOPMed 0.00001.
gnomAD v4.1: 3 of 1,614,134 alleles (0.00019%); highest among the groups gnomAD compares: Admixed American, 0.0017%; no homozygotes.

Submission:

Labcorp Genetics (formerly Invitae), Labcorp
Classification: Uncertain significance for Combined oxidative phosphorylation defect type 17. Last evaluated: 2023-05-22. Review status: criteria provided, single submitter. Criteria: Invitae Variant Classification Sherloc (09022015). Collection method: clinical testing. Allele origin: germline.
Comment: This sequence change replaces proline, which is neutral and non-polar, with leucine, which is neutral and non-polar, at codon 481 of the ELAC2 protein (p.Pro481Leu). This variant is present in population databases (no rsID available, gnomAD 0.003%). This variant has not been reported in the literature in individuals affected with ELAC2-related conditions. Advanced modeling of protein sequence and biophysical properties (such as structural, functional, and spatial information, amino acid conservation, physicochemical variation, residue mobility, and thermodynamic stability) performed at Invitae indicates that this missense variant is expected to disrupt ELAC2 protein function. In summary, the available evidence is currently insufficient to determine the role of this variant in disease. Therefore, it has been classified as a Variant of Uncertain Significance.